The following is an entry in ClinVar:

NM_018706.7(DHTKD1):c.700C>A (p.Leu234Met)

Gene: DHTKD1 (dehydrogenase E1 and transketolase domain containing 1; plus strand). Cytogenetic location: 10p14.
Variant type: single nucleotide variant.
Coding change: c.700C>A on transcript NM_018706.7 (MANE Select); coding-DNA position 700, C replaced by A.
Protein change: p.Leu234Met; replaces leucine 234 with methionine.
Molecular consequence: missense variant.
Genome position (GRCh38, 1-based): chr10:12,087,712, C>A. VCF-style: chr10-12087712-C-A. GRCh37 (hg19) VCF-style: chr10-12129711-C-A.
Other names: short protein forms L234M.
Identifiers: ClinVar variation 933940 (VCV000933940.10), dbSNP rs140003684, ClinGen allele CA376018310.

ClinVar aggregate classification (germline): Uncertain significance (1 of 4 stars; one submission).

Conditions:
2-aminoadipic 2-oxoadipic aciduria (AAKAD). Also called: ALPHA-AMINOADIPIC AND ALPHA-KETOADIPIC ACIDURIA; Aminoadipic aciduria. Identifiers: Orphanet 79154, MedGen C1859817, MONDO:0008774, OMIM 204750.

Submission:

Labcorp Genetics (formerly Invitae), Labcorp
Classification: Uncertain significance for 2-aminoadipic 2-oxoadipic aciduria. Last evaluated: 2023-04-24. Review status: criteria provided, single submitter. Criteria: Invitae Variant Classification Sherloc (09022015). Collection method: clinical testing. Allele origin: germline.
Comment: In summary, the available evidence is currently insufficient to determine the role of this variant in disease. Therefore, it has been classified as a Variant of Uncertain Significance. Advanced modeling of protein sequence and biophysical properties (such as structural, functional, and spatial information, amino acid conservation, physicochemical variation, residue mobility, and thermodynamic stability) performed at Invitae indicates that this missense variant is not expected to disrupt DHTKD1 protein function. ClinVar contains an entry for this variant (Variation ID: 933940). This variant has not been reported in the literature in individuals affected with DHTKD1-related conditions. This variant is not present in population databases (gnomAD no frequency). This sequence change replaces leucine, which is neutral and non-polar, with methionine, which is neutral and non-polar, at codon 234 of the DHTKD1 protein (p.Leu234Met).